The following is an entry in ClinVar:

NM_004171.4(SLC1A2):c.372C>G (p.Tyr124Ter)

Gene: SLC1A2 (solute carrier family 1 member 2; minus strand). Cytogenetic location: 11p13.
Variant type: single nucleotide variant.
Coding change: c.372C>G on transcript NM_004171.4 (MANE Select); coding-DNA position 372, C replaced by G.
Protein change: p.Tyr124Ter; replaces tyrosine 124 with a stop codon.
Molecular consequence: nonsense.
Genome position (GRCh38, 1-based): chr11:35,312,387, G>C on the plus strand (C>G on the coding strand, the complement: SLC1A2 is on the minus strand). VCF-style: chr11-35312387-G-C. GRCh37 (hg19) VCF-style: chr11-35333934-G-C.
Other names: c.345C>G, p.Tyr115Ter (NM_001195728.3, NM_001252652.2, NM_001439341.1); c.360C>G, p.Tyr120Ter (NM_001439342.1); c.372C>G, p.Tyr124Ter (NM_001439343.1); short protein forms Y115*, Y120*, Y124*.
Identifiers: ClinVar variation 4856189 (VCV004856189.1).

ClinVar aggregate classification (germline): Uncertain significance (1 of 4 stars; one submission).

Conditions:
Developmental and epileptic encephalopathy, 41 (DEE41). Also called: Epileptic encephalopathy, early infantile, 41. Identifiers: MedGen C4310717, MONDO:0014916, OMIM 617105.

Submission:

3billion
Classification: Uncertain significance for Developmental and epileptic encephalopathy, 41. Last evaluated: 2025-09-15. Review status: criteria provided, single submitter. Criteria: ACMG Guidelines, 2015. Collection method: clinical testing. Allele origin: germline. Affected: yes.
Comment: The variant is not observed in the gnomAD v4.1.0 dataset. Predicted Consequence/Location: Stop-gained (nonsense): predicted to result in a loss or disruption of normal protein function through nonsense-mediated decay (NMD) or protein truncation. Multiple pathogenic variants are reported downstream of the variant. Therefore, this variant is classified as VUS according to the recommendation of ACMG/AMP guideline.